The following is an entry in ClinVar:

ClinVar aggregate classification (germline): Conflicting classifications of pathogenicity. Review status: criteria provided, conflicting classifications (1 of 4 stars). 3 submissions from 3 submitters: Uncertain significance (2); Likely benign (1). Last evaluated 2026-01-11.

Conditions:
Diamond-Blackfan anemia 12 (DBA12). Also called: RPL15-Related Diamond-Blackfan Anemia. Identifiers: Orphanet 124, MedGen C3809888, MONDO:0014245, OMIM 615550.

Allele frequency attached by ClinVar (database versions not stated): gnomAD exomes 0.00014; TOPMed 0.00005; ESP Exome Variant Server 0.00008; gnomAD 0.00014 and 0.00005; 1000 Genomes Project 30x 0.00156; ExAC 0.00019; 1000 Genomes Project 0.00200.
gnomAD v4.1: 164 of 1,602,738 alleles (0.01%); highest among the groups gnomAD compares: Middle Eastern, 0.14%; 2 homozygotes.

Submissions (3):

Labcorp Genetics (formerly Invitae), Labcorp
Classification: Uncertain significance. Last evaluated: 2026-01-11. Review status: criteria provided, single submitter. Criteria: Invitae Variant Classification Sherloc (09022015). Collection method: clinical testing. Allele origin: germline.
Comment: This sequence change replaces lysine, which is basic and polar, with arginine, which is basic and polar, at codon 153 of the RPL15 protein (p.Lys153Arg). This variant is present in population databases (rs370700905, gnomAD 0.05%), and has an allele count higher than expected for a pathogenic variant. This variant has not been reported in the literature in individuals affected with RPL15-related conditions. ClinVar contains an entry for this variant (Variation ID: 1391914). An algorithm developed to predict the effect of missense changes on protein structure and function outputs the following: PolyPhen-2: "Benign". The arginine amino acid residue is found in multiple mammalian species, which suggests that this missense change does not adversely affect protein function. In summary, the available evidence is currently insufficient to determine the role of this variant in disease. Therefore, it has been classified as a Variant of Uncertain Significance.

Blueprint Genetics
Classification: Likely benign. Last evaluated: 2024-11-20. Review status: criteria provided, single submitter. Criteria: ACMG Guidelines, 2015. Collection method: clinical testing. Allele origin: germline.

Fulgent Genetics
Classification: Uncertain significance for Diamond-Blackfan anemia 12. Last evaluated: 2021-10-17. Review status: criteria provided, single submitter. Criteria: ACMG Guidelines, 2015. Collection method: clinical testing. Allele origin: unknown.

NM_002948.5(RPL15):c.458A>G (p.Lys153Arg)

Genes: NKIRAS1 (NFKB inhibitor interacting Ras like 1; minus strand), RPL15 (ribosomal protein L15; plus strand). Cytogenetic location: 3p24.2.
Variant type: single nucleotide variant.
Coding change: c.458A>G on transcript NM_002948.5 (MANE Select); coding-DNA position 458, A replaced by G.
Protein change: p.Lys153Arg; replaces lysine 153 with arginine.
Molecular consequence: missense variant. On other transcripts: intron variant (2).
Genome position (GRCh38, 1-based): chr3:23,919,344, A>G. VCF-style: chr3-23919344-A-G. GRCh37 (hg19) VCF-style: chr3-23960835-A-G.
Other names: c.458A>G, p.Lys153Arg (NM_001253383.3, NM_001253379.2, NM_001253380.2 and 1 more transcripts); c.-139-7894T>C (NM_001377380.1); c.360+98A>G (NM_001253384.2); short protein forms K153R.
Identifiers: ClinVar variation 1391914 (VCV001391914.8), dbSNP rs370700905, ClinGen allele CA2286524.
Genomic context (GRCh38, chr3:23,919,344, plus strand): 5'-TCCTCATTGATCCATTCCATAAAGCTATCAGAAGAAATCCTGACACCCAGTGGATCACCA[A>G]ACCAGTCCACAAGCACAGGGAGATGCGTGGGCTGACATCTGCAGGCCGAAAGAGCCGTGG-3'
Protein context (NP_002939.2, residues 143-163): RRNPDTQWIT[Lys153Arg]PVHKHREMRG